The following is an entry in ClinVar:

NM_001160372.4(TRAPPC9):c.208_210delinsTAT (p.Asp70Tyr)

Gene: TRAPPC9 (trafficking protein particle complex subunit 9; minus strand). Cytogenetic location: 8q24.3.
Variant type: Indel.
Coding change: c.208_210delinsTAT on transcript NM_001160372.4 (MANE Select); coding-DNA positions 208 to 210, GAC replaced by TAT.
Protein change: p.Asp70Tyr; replaces aspartic acid 70 with tyrosine.
Molecular consequence: missense variant. On other transcripts: non-coding transcript variant (1).
Genome position (GRCh38, 1-based): chr8:140,451,164-140,451,166, GTC replaced by ATA on the plus strand (GAC replaced by TAT on the coding strand, the reverse complement: TRAPPC9 is on the minus strand). VCF-style: chr8-140451164-GTC-ATA. GRCh37 (hg19) VCF-style: chr8-141461263-GTC-ATA.
Other names: c.208_210delinsTAT, p.Asp70Tyr (NM_001321646.2, NM_001374682.1, NM_001374683.1 and 2 more transcripts); short protein forms D70Y.
Identifiers: ClinVar variation 1314096 (VCV001314096.2), dbSNP rs2132705683, ClinGen allele CA2573052977.

ClinVar aggregate classification (germline): Uncertain significance (1 of 4 stars; one submission).

Submission:

GeneDx
Classification: Uncertain significance. Last evaluated: 2020-01-16. Review status: criteria provided, single submitter. Criteria: GeneDx Variant Classification Process June 2021. Collection method: clinical testing. Allele origin: germline. Affected: yes.
Comment: Not observed in large population cohorts (Lek et al., 2016); In silico analysis, which includes protein predictors and evolutionary conservation, supports a deleterious effect; Has not been previously published as pathogenic or benign to our knowledge